The following is an entry in ClinVar:

NM_000153.4(GALC):c.1034-270A>G

Gene: GALC (galactosylceramidase; minus strand). Cytogenetic location: 14q31.3.
Variant type: single nucleotide variant.
Coding change: c.1034-270A>G on transcript NM_000153.4 (MANE Select); 270 bases into the intron before coding-DNA position 1034, A replaced by G.
Molecular consequence: intron variant.
Genome position (GRCh38, 1-based): chr14:87,963,781, T>C on the plus strand (A>G on the coding strand, the complement: GALC is on the minus strand). VCF-style: chr14-87963781-T-C. GRCh37 (hg19) VCF-style: chr14-88430125-T-C.
Other names: c.956-270A>G (NM_001201402.2); c.965-270A>G (NM_001201401.2).
Identifiers: ClinVar variation 672030 (VCV000672030.1), dbSNP rs78508589, ClinGen allele CA264701401.

ClinVar aggregate classification (germline): Benign (1 of 4 stars; one submission).

Allele frequency attached by ClinVar (database versions not stated): 1000 Genomes Project 0.07947; 1000 Genomes Project 30x 0.08182; gnomAD 0.11417 and 0.11287; TOPMed 0.10653.
gnomAD v4.1: 17,181 of 152,078 alleles (11%); highest among the groups gnomAD compares: Non-Finnish European, 16%; 1,141 homozygotes.

Submission:

GeneDx
Classification: Benign. Last evaluated: 2018-06-19. Review status: criteria provided, single submitter. Criteria: GeneDx Variant Classification (06012015). Collection method: clinical testing. Allele origin: germline. Affected: yes.
Comment: This variant is considered likely benign or benign based on one or more of the following criteria: it is a conservative change, it occurs at a poorly conserved position in the protein, it is predicted to be benign by multiple in silico algorithms, and/or has population frequency not consistent with disease.